The following is an entry in ClinVar:

ClinVar aggregate classification (germline): Uncertain significance (1 of 4 stars; one submission).

Allele frequency attached by ClinVar (database versions not stated): gnomAD exomes below 0.00001.
gnomAD v4.1: 2 of 1,609,602 alleles (0.00012%); highest among the groups gnomAD compares: Admixed American, 0.0033%; no homozygotes.

Submission:

Labcorp Genetics (formerly Invitae), Labcorp
Classification: Uncertain significance. Last evaluated: 2022-08-11. Review status: criteria provided, single submitter. Criteria: Invitae Variant Classification Sherloc (09022015). Collection method: clinical testing. Allele origin: germline.
Comment: This sequence change replaces histidine, which is basic and polar, with arginine, which is basic and polar, at codon 913 of the DMXL2 protein (p.His913Arg). This variant is present in population databases (no rsID available, gnomAD 0.003%). This variant has not been reported in the literature in individuals affected with DMXL2-related conditions. Algorithms developed to predict the effect of missense changes on protein structure and function are either unavailable or do not agree on the potential impact of this missense change (SIFT: "Tolerated"; PolyPhen-2: "Possibly Damaging"; Align-GVGD: "Class C0"). In summary, the available evidence is currently insufficient to determine the role of this variant in disease. Therefore, it has been classified as a Variant of Uncertain Significance.

NM_001378457.1(DMXL2):c.2738A>G (p.His913Arg)

Gene: DMXL2 (Dmx like 2; minus strand). Cytogenetic location: 15q21.2.
Variant type: single nucleotide variant.
Coding change: c.2738A>G on transcript NM_001378457.1 (MANE Select); coding-DNA position 2738, A replaced by G.
Protein change: p.His913Arg; replaces histidine 913 with arginine.
Molecular consequence: missense variant. On other transcripts: non-coding transcript variant (2).
Genome position (GRCh38, 1-based): chr15:51,507,160, T>C on the plus strand (A>G on the coding strand, the complement: DMXL2 is on the minus strand). VCF-style: chr15-51507160-T-C. GRCh37 (hg19) VCF-style: chr15-51799357-T-C.
Other names: c.2738A>G, p.His913Arg (NM_001174116.3, NM_001174117.3, NM_001378458.1 and 6 more transcripts); c.2498A>G, p.His833Arg (NM_001378464.1); short protein forms H833R, H913R.
Identifiers: ClinVar variation 1716135 (VCV001716135.3), dbSNP rs1309624186, ClinGen allele CA392439237.
Genomic context (GRCh38, chr15:51,507,160, plus strand): 5'-TGTATCATCTCTGTATAAAACTATAATTACTTACCTAAACATGCTTGTACAGATTTAAGA[T>C]GAAGGTGCCACATATGCAGAATAGAGTTATTATTGCTGTCCTTCTCAATTACTACTAGAA-3'
Protein context (NP_001365386.1, residues 903-923): NNSILHMWHL[His913Arg]LKSVQACLAK